The following is an entry in ClinVar:

NM_001379451.1(BCORL1):c.1858A>T (p.Met620Leu)

Gene: BCORL1 (BCL6 corepressor like 1; plus strand). Cytogenetic location: Xq26.1.
Variant type: single nucleotide variant.
Coding change: c.1858A>T on transcript NM_001379451.1 (MANE Select); coding-DNA position 1858, A replaced by T.
Protein change: p.Met620Leu; replaces methionine 620 with leucine.
Molecular consequence: missense variant.
Genome position (GRCh38, 1-based): chrX:130,014,630, A>T. VCF-style: chrX-130014630-A-T. GRCh37 (hg19) VCF-style: chrX-129148606-A-T.
Other names: c.1858A>T, p.Met620Leu (NM_001184772.3, NM_001379450.1, NM_021946.5); short protein forms M620L.
Identifiers: ClinVar variation 1700855 (VCV001700855.2), dbSNP rs2124447684, ClinGen allele CA414586619.

ClinVar aggregate classification (germline): Uncertain significance (1 of 4 stars; one submission).

Allele frequency attached by ClinVar (database versions not stated): gnomAD exomes below 0.00001.
gnomAD v4.1: 1 of 1,211,260 alleles (0.000083%); highest among the groups gnomAD compares: Non-Finnish European, 0.00011%; no homozygotes.

Submission:

GeneDx
Classification: Uncertain significance. Last evaluated: 2022-02-10. Review status: criteria provided, single submitter. Criteria: GeneDx Variant Classification Process June 2021. Collection method: clinical testing. Allele origin: germline. Affected: yes.
Comment: Not observed at significant frequency in large population cohorts (gnomAD); In silico analysis supports that this missense variant does not alter protein structure/function; Has not been previously published as pathogenic or benign to our knowledge